The following is an entry in ClinVar:

NC_000003.11:g.(?_43641856)_(43647344_?)del

Gene: ANO10 (anoctamin 10; minus strand). Cytogenetic location: 3p22.1.
Variant type: Deletion.
Identifiers: ClinVar variation 3247031 (VCV003247031.1).

ClinVar aggregate classification (germline): Pathogenic (1 of 4 stars; one submission).

Submission:

Labcorp Genetics (formerly Invitae), Labcorp
Classification: Pathogenic. Last evaluated: 2024-01-11. Review status: criteria provided, single submitter. Criteria: Invitae Variant Classification Sherloc (09022015). Collection method: clinical testing. Allele origin: unknown.
Comment: This variant is a gross deletion of the genomic region encompassing exon(s) 2-3 of the ANO10 gene, which includes the initiator codon. This deletion extends beyond the assayed region for this gene and therefore may encompass additional genes. It is expected to result in an absent or disrupted protein product. Loss-of-function variants in ANO10 are known to be pathogenic (PMID: 25089919). This variant has not been reported in the literature in individuals affected with ANO10-related conditions. For these reasons, this variant has been classified as Pathogenic.

Literature cited by the submitters: PubMed 25089919.